The following is an entry in ClinVar:

NM_001283009.2(RTEL1):c.272A>G (p.Asn91Ser)

Genes: RTEL1 (regulator of telomere elongation helicase 1; plus strand), RTEL1-TNFRSF6B (RTEL1-TNFRSF6B readthrough (NMD candidate); plus strand). Cytogenetic location: 20q13.33.
Variant type: single nucleotide variant.
Coding change: c.272A>G on transcript NM_001283009.2 (MANE Select); coding-DNA position 272, A replaced by G.
Protein change: p.Asn91Ser; replaces asparagine 91 with serine.
Molecular consequence: missense variant. On other transcripts: non-coding transcript variant (1), 5 prime UTR variant (1).
Genome position (GRCh38, 1-based): chr20:63,661,467, A>G. VCF-style: chr20-63661467-A-G. GRCh37 (hg19) VCF-style: chr20-62292820-A-G.
Other names: c.-398A>G (NM_001283010.1); c.272A>G, p.Asn91Ser (NM_016434.4, NM_032957.5); short protein forms N91S.
Identifiers: ClinVar variation 1472175 (VCV001472175.8), dbSNP rs941773443, ClinGen allele CA317497739.

ClinVar aggregate classification (germline): Uncertain significance (1 of 4 stars; one submission).

Conditions:
Pulmonary fibrosis and/or bone marrow failure, Telomere-related, 3. Also called: PULMONARY FIBROSIS AND/OR BONE MARROW FAILURE SYNDROME, TELOMERE-RELATED, 3. Identifiers: Orphanet 2032, MedGen C4225346, MONDO:0014613, OMIM 616373.
Dyskeratosis congenita, autosomal recessive 5 (DKCB5). Identifiers: MedGen C3554656, MONDO:0014076, OMIM 615190.

Allele frequency attached by ClinVar (database versions not stated): gnomAD exomes below 0.00001.
gnomAD v4.1: 1 of 1,612,736 alleles (0.000062%); highest among the groups gnomAD compares: African/African-American, 0.0013%; no homozygotes.

Submission:

Labcorp Genetics (formerly Invitae), Labcorp
Classification: Uncertain significance for Dyskeratosis congenita, autosomal recessive 5; Pulmonary fibrosis and/or bone marrow failure, Telomere-related, 3. Last evaluated: 2024-02-17. Review status: criteria provided, single submitter. Criteria: Invitae Variant Classification Sherloc (09022015). Collection method: clinical testing. Allele origin: germline.
Comment: This sequence change replaces asparagine, which is neutral and polar, with serine, which is neutral and polar, at codon 91 of the RTEL1 protein (p.Asn91Ser). This variant is not present in population databases (gnomAD no frequency). This variant has not been reported in the literature in individuals affected with RTEL1-related conditions. ClinVar contains an entry for this variant (Variation ID: 1472175). Algorithms developed to predict the effect of missense changes on protein structure and function output the following: SIFT: "Not Available"; PolyPhen-2: "Benign"; Align-GVGD: "Not Available". The serine amino acid residue is found in multiple mammalian species, which suggests that this missense change does not adversely affect protein function. In summary, the available evidence is currently insufficient to determine the role of this variant in disease. Therefore, it has been classified as a Variant of Uncertain Significance.